The following is an entry in ClinVar:

NM_133171.5(ELMO2):c.757-4A>G

Gene: ELMO2 (engulfment and cell motility 2; minus strand). Cytogenetic location: 20q13.12.
Variant type: single nucleotide variant.
Coding change: c.757-4A>G on transcript NM_133171.5 (MANE Select); 4 bases into the intron before coding-DNA position 757, A replaced by G.
Molecular consequence: intron variant.
Genome position (GRCh38, 1-based): chr20:46,380,307, T>C on the plus strand (A>G on the coding strand, the complement: ELMO2 is on the minus strand). VCF-style: chr20-46380307-T-C. GRCh37 (hg19) VCF-style: chr20-45008946-T-C.
Other names: c.757-4A>G (NM_182764.3); c.493-4A>G (NM_001318253.2).
Identifiers: ClinVar variation 3045340 (VCV003045340.2), dbSNP rs185950263, ClinGen allele CA9890228.

ClinVar aggregate classification (germline): Likely benign (0 of 4 stars; one submission).

Conditions:
ELMO2-related disorder. Also called: ELMO2-related condition.

Allele frequency attached by ClinVar (database versions not stated): gnomAD exomes 0.00019; ExAC 0.00054; ESP Exome Variant Server 0.00138; 1000 Genomes Project 0.00140; 1000 Genomes Project 30x 0.00156; gnomAD 0.00171; TOPMed 0.00178.
gnomAD v4.1: 536 of 1,612,752 alleles (0.033%); highest among the groups gnomAD compares: African/African-American, 0.65%; 3 homozygotes.

Submission:

PreventionGenetics, part of Exact Sciences
Classification: Likely benign for ELMO2-related condition. Last evaluated: 2019-02-22. Review status: no assertion criteria provided. Collection method: clinical testing. Allele origin: germline.
Comment: This variant is classified as likely benign based on ACMG/AMP sequence variant interpretation guidelines (Richards et al. 2015 PMID: 25741868, with internal and published modifications).